The following is an entry in ClinVar:

NM_016507.4(CDK12):c.2614C>A (p.Gln872Lys)

Gene: CDK12 (cyclin dependent kinase 12; plus strand). Cytogenetic location: 17q12.
Variant type: single nucleotide variant.
Coding change: c.2614C>A on transcript NM_016507.4 (MANE Select); coding-DNA position 2614, C replaced by A.
Protein change: p.Gln872Lys; replaces glutamine 872 with lysine.
Molecular consequence: missense variant.
Genome position (GRCh38, 1-based): chr17:39,509,709, C>A. VCF-style: chr17-39509709-C-A. GRCh37 (hg19) VCF-style: chr17-37665962-C-A.
Other names: c.2614C>A, p.Gln872Lys (NM_015083.4); short protein forms Q872K.
Identifiers: ClinVar variation 3999275 (VCV003999275.1).

ClinVar aggregate classification (germline): Uncertain significance (1 of 4 stars; one submission).

Submission:

Ambry Genetics
Classification: Uncertain significance. Last evaluated: 2025-03-27. Review status: criteria provided, single submitter. Criteria: Ambry Variant Classification Scheme 2023. Collection method: clinical testing. Allele origin: germline.
Comment: The p.Q872K variant (also known as c.2614C>A), located in coding exon 7 of the CDK12 gene, results from a C to A substitution at nucleotide position 2614. The glutamine at codon 872 is replaced by lysine, an amino acid with similar properties. This amino acid position is conserved. In addition, the in silico prediction for this alteration is inconclusive. Based on the available evidence, the clinical significance of this variant remains unclear.